The following is an entry in ClinVar:

ClinVar aggregate classification (germline): Uncertain significance (1 of 4 stars; one submission).

Conditions:
Rhabdoid tumor predisposition syndrome 2 (RTPS2). Identifiers: Orphanet 231108, Orphanet 69077, MedGen C2750074, MONDO:0013224, OMIM 613325.

Submission:

Labcorp Genetics (formerly Invitae), Labcorp
Classification: Uncertain significance for Rhabdoid tumor predisposition syndrome 2. Last evaluated: 2021-07-31. Review status: criteria provided, single submitter. Criteria: Invitae Variant Classification Sherloc (09022015). Collection method: clinical testing. Allele origin: germline.
Comment: In summary, the available evidence is currently insufficient to determine the role of this variant in disease. Therefore, it has been classified as a Variant of Uncertain Significance. Algorithms developed to predict the effect of missense changes on protein structure and function are either unavailable or do not agree on the potential impact of this missense change (SIFT: "Deleterious"; PolyPhen-2: "Benign"; Align-GVGD: "Class C0"). This variant has not been reported in the literature in individuals affected with SMARCA4-related conditions. This variant is not present in population databases (ExAC no frequency). This sequence change replaces glutamine with histidine at codon 729 of the SMARCA4 protein (p.Gln729His). The glutamine residue is highly conserved and there is a small physicochemical difference between glutamine and histidine.

NM_003072.5(SMARCA4):c.2187G>T (p.Gln729His)

Gene: SMARCA4 (SWI/SNF related BAF chromatin remodeling complex subunit ATPase 4; plus strand). Cytogenetic location: 19p13.2.
Variant type: single nucleotide variant.
Coding change: c.2187G>T on transcript NM_003072.5 (MANE Select); coding-DNA position 2187, G replaced by T.
Protein change: p.Gln729His; replaces glutamine 729 with histidine.
Molecular consequence: missense variant. On other transcripts: non-coding transcript variant (1).
Genome position (GRCh38, 1-based): chr19:11,010,444, G>T. VCF-style: chr19-11010444-G-T. GRCh37 (hg19) VCF-style: chr19-11121120-G-T.
Other names: c.2187G>T, p.Gln729His (NM_001128844.3, NM_001128845.2, NM_001128846.2 and 5 more transcripts); short protein forms Q729H.
Identifiers: ClinVar variation 1479369 (VCV001479369.6), dbSNP rs2146236007, ClinGen allele CA404052786.